The following is an entry in ClinVar:

ClinVar aggregate classification (germline): Uncertain significance (1 of 4 stars; one submission).

Conditions:
Cardiac arrhythmia. Also called: Cardiac rhythm disease; Arrhythmia. Identifiers: MedGen C0003811, MONDO:0007263, HP:0011675.

gnomAD v4.1: 1 of 1,538,492 alleles (0.000065%); highest among the groups gnomAD compares: South Asian, 0.0011%; no homozygotes.

Submission:

Color Diagnostics, LLC DBA Color Health
Classification: Uncertain significance for Cardiac arrhythmia. Last evaluated: 2019-08-08. Review status: criteria provided, single submitter. Criteria: ACMG Guidelines, 2015. Collection method: clinical testing. Allele origin: germline.
Comment: Variant of Uncertain Significance due to insufficient evidence: This missense variant is located in the cytoplasmic domain of the KCNH2 protein. Computational prediction tools and conservation analyses suggest that this variant may impact the protein function. Computational splicing tools suggest that this variant may not impact the RNA splicing. To our knowledge, functional assays have not been performed for this variant nor has this variant been reported in individuals affected with cardiovascular disorders in the literature. This variant is rare in the general population and has been identified in 0/277264 chromosomes by the Genome Aggregation Database (gnomAD). Available evidence is insufficient to determine the pathogenicity of this variant conclusively.

NM_000238.4(KCNH2):c.2660G>T (p.Arg887Leu)

Gene: KCNH2 (potassium voltage-gated channel subfamily H member 2; minus strand). Cytogenetic location: 7q36.1.
Variant type: single nucleotide variant.
Coding change: c.2660G>T on transcript NM_000238.4 (MANE Select); coding-DNA position 2660, G replaced by T.
Protein change: p.Arg887Leu; replaces arginine 887 with leucine.
Molecular consequence: missense variant.
Genome position (GRCh38, 1-based): chr7:150,948,476, C>A on the plus strand (G>T on the coding strand, the complement: KCNH2 is on the minus strand). VCF-style: chr7-150948476-C-A. GRCh37 (hg19) VCF-style: chr7-150645564-C-A.
Other names: c.1640G>T, p.Arg547Leu (NM_172057.3); short protein forms R887L, R547L.
Identifiers: ClinVar variation 628973 (VCV000628973.6), dbSNP rs199473432, ClinGen allele CA369853704.